The following is an entry in ClinVar:

ClinVar aggregate classification (germline): Uncertain significance (1 of 4 stars; one submission).

Allele frequency attached by ClinVar (database versions not stated): ExAC 0.00001; TOPMed 0.00002.
gnomAD v4.1: 28 of 1,614,038 alleles (0.0017%); highest among the groups gnomAD compares: Non-Finnish European, 0.0021%; no homozygotes.

Submission:

Labcorp Genetics (formerly Invitae), Labcorp
Classification: Uncertain significance. Last evaluated: 2025-10-06. Review status: criteria provided, single submitter. Criteria: Invitae Variant Classification Sherloc (09022015). Collection method: clinical testing. Allele origin: germline.
Comment: This sequence change replaces asparagine, which is neutral and polar, with lysine, which is basic and polar, at codon 216 of the TUBA8 protein (p.Asn216Lys). This variant is present in population databases (rs768126889, gnomAD 0.003%). This variant has not been reported in the literature in individuals affected with TUBA8-related conditions. ClinVar contains an entry for this variant (Variation ID: 2185092). Invitae Evidence Modeling of protein sequence and biophysical properties (such as structural, functional, and spatial information, amino acid conservation, physicochemical variation, residue mobility, and thermodynamic stability) indicates that this missense variant is not expected to disrupt TUBA8 protein function with a negative predictive value of 80%. In summary, the available evidence is currently insufficient to determine the role of this variant in disease. Therefore, it has been classified as a Variant of Uncertain Significance.

NM_018943.3(TUBA8):c.648C>A (p.Asn216Lys)

Gene: TUBA8 (tubulin alpha 8; plus strand). Cytogenetic location: 22q11.21.
Variant type: single nucleotide variant.
Coding change: c.648C>A on transcript NM_018943.3 (MANE Select); coding-DNA position 648, C replaced by A.
Protein change: p.Asn216Lys; replaces asparagine 216 with lysine.
Molecular consequence: missense variant.
Genome position (GRCh38, 1-based): chr22:18,126,626, C>A. VCF-style: chr22-18126626-C-A. GRCh37 (hg19) VCF-style: chr22-18609393-C-A.
Other names: c.450C>A, p.Asn150Lys (NM_001193414.2); short protein forms N150K, N216K.
Identifiers: ClinVar variation 2185092 (VCV002185092.4), dbSNP rs768126889, ClinGen allele CA10093725.